The following is an entry in ClinVar:

NM_005359.6(SMAD4):c.1262C>T (p.Ala421Val)

Gene: SMAD4 (SMAD family member 4; plus strand). Cytogenetic location: 18q21.2.
Variant type: single nucleotide variant.
Coding change: c.1262C>T on transcript NM_005359.6 (MANE Select); coding-DNA position 1262, C replaced by T.
Protein change: p.Ala421Val; replaces alanine 421 with valine.
Molecular consequence: missense variant. On other transcripts: non-coding transcript variant (1).
Genome position (GRCh38, 1-based): chr18:51,067,141, C>T. VCF-style: chr18-51067141-C-T. GRCh37 (hg19) VCF-style: chr18-48593511-C-T.
Other names: c.1262C>T, p.Ala421Val (NM_001407041.1, NM_001407042.1); short protein forms A421V.
Identifiers: ClinVar variation 2699102 (VCV002699102.3), dbSNP rs2144452655, ClinGen allele CA402464982.

ClinVar aggregate classification (germline): Uncertain significance (1 of 4 stars; one submission).

Conditions:
Juvenile polyposis syndrome (JPS). Identifiers: Orphanet 2929, MedGen C0345893, MONDO:0017380, OMIM 174900.

gnomAD v4.1: 1 of 1,608,638 alleles (0.000062%); no homozygotes.

Submission:

Labcorp Genetics (formerly Invitae), Labcorp
Classification: Uncertain significance for Juvenile polyposis syndrome. Last evaluated: 2023-06-09. Review status: criteria provided, single submitter. Criteria: Invitae Variant Classification Sherloc (09022015). Collection method: clinical testing. Allele origin: germline.
Comment: In summary, the available evidence is currently insufficient to determine the role of this variant in disease. Therefore, it has been classified as a Variant of Uncertain Significance. Advanced modeling of protein sequence and biophysical properties (such as structural, functional, and spatial information, amino acid conservation, physicochemical variation, residue mobility, and thermodynamic stability) has been performed at Invitae for this missense variant, however the output from this modeling did not meet the statistical confidence thresholds required to predict the impact of this variant on SMAD4 protein function. This variant has not been reported in the literature in individuals affected with SMAD4-related conditions. This variant is not present in population databases (gnomAD no frequency). This sequence change replaces alanine, which is neutral and non-polar, with valine, which is neutral and non-polar, at codon 421 of the SMAD4 protein (p.Ala421Val).